The following is an entry in ClinVar:

NM_032447.5(FBN3):c.5504G>A (p.Gly1835Glu)

Gene: FBN3 (fibrillin 3; minus strand). Cytogenetic location: 19p13.2.
Variant type: single nucleotide variant.
Coding change: c.5504G>A on transcript NM_032447.5 (MANE Select); coding-DNA position 5504, G replaced by A.
Protein change: p.Gly1835Glu; replaces glycine 1835 with glutamic acid.
Molecular consequence: missense variant.
Genome position (GRCh38, 1-based): chr19:8,096,479, C>T on the plus strand (G>A on the coding strand, the complement: FBN3 is on the minus strand). VCF-style: chr19-8096479-C-T. GRCh37 (hg19) VCF-style: chr19-8161363-C-T.
Other names: c.5504G>A, p.Gly1835Glu (NM_001321431.2); short protein forms G1835E.
Identifiers: ClinVar variation 3678466 (VCV003678466.2).
Genomic context (GRCh38, chr19:8,096,479, plus strand): 5'-AGGAGGGGGAAGATAAGGGTCTCACCCATGCACAGGGTCTGGTCTGCAGAGGCCTGGAAT[C>T]CACGGTGACACAGACACATGTAGCTGCCTTCTGTGTCCATGCAGTCACCATGGCTACAGA-3'
Protein context (NP_115823.3, residues 1825-1845): EGSYMCLCHR[Gly1835Glu]FQASADQTLC

ClinVar aggregate classification (germline): Uncertain significance (1 of 4 stars; one submission).

gnomAD v4.1: 1 of 1,614,032 alleles (0.000062%); highest among the groups gnomAD compares: Non-Finnish European, 0.000085%; no homozygotes.

Submission:

Labcorp Genetics (formerly Invitae), Labcorp
Classification: Uncertain significance. Last evaluated: 2024-08-04. Review status: criteria provided, single submitter. Criteria: Invitae Variant Classification Sherloc (09022015). Collection method: clinical testing. Allele origin: germline.
Comment: This sequence change replaces glycine, which is neutral and non-polar, with glutamic acid, which is acidic and polar, at codon 1835 of the FBN3 protein (p.Gly1835Glu). This variant is present in population databases (no rsID available, gnomAD 0.0009%). This variant has not been reported in the literature in individuals affected with FBN3-related conditions. Advanced modeling of protein sequence and biophysical properties (such as structural, functional, and spatial information, amino acid conservation, physicochemical variation, residue mobility, and thermodynamic stability) performed at Invitae indicates that this missense variant is expected to disrupt FBN3 protein function with a positive predictive value of 80%. In summary, the available evidence is currently insufficient to determine the role of this variant in disease. Therefore, it has been classified as a Variant of Uncertain Significance.